The following is an entry in ClinVar:

NM_000214.3(JAG1):c.821G>C (p.Gly274Ala)

Gene: JAG1 (jagged canonical Notch ligand 1; minus strand). Cytogenetic location: 20p12.2.
Variant type: single nucleotide variant.
Coding change: c.821G>C on transcript NM_000214.3 (MANE Select); coding-DNA position 821, G replaced by C.
Protein change: p.Gly274Ala; replaces glycine 274 with alanine.
Molecular consequence: missense variant.
Genome position (GRCh38, 1-based): chr20:10,652,533, C>G on the plus strand (G>C on the coding strand, the complement: JAG1 is on the minus strand). VCF-style: chr20-10652533-C-G. GRCh37 (hg19) VCF-style: chr20-10633181-C-G.
Other names: short protein forms G274A.
Identifiers: ClinVar variation 3573113 (VCV003573113.2).

Conditions:
Arteriohepatic dysplasia. Also called: Alagille Syndrome. Identifiers: Orphanet 52, MedGen C0085280, MeSH D016738, MONDO:0007318.

Submission:

Gilbert/Spinner Lab, Children's Hospital of Philadelphia
No classification provided (evidence only). Condition: Alagille syndrome. Review status: no classification provided. Collection method: research. Allele origin: not applicable. Functional consequence: functionally_abnormal.
ClinVar note: "not provided" was previously submitted as the classification for the variant. However, the classification appeared to be based only on an observation of functional data so it was converted to no classification on 2025-07-30.